The following is an entry in ClinVar:

NM_000545.8(HNF1A):c.*214G>A

Genes: C12orf43 (chromosome 12 open reading frame 43; minus strand), HNF1A (HNF1 homeobox A; plus strand). Cytogenetic location: 12q24.31.
Variant type: single nucleotide variant.
Coding change: c.*214G>A on transcript NM_000545.8 (MANE Select); 214 bases downstream of the stop codon, G replaced by A.
Molecular consequence: 3 prime UTR variant.
Genome position (GRCh38, 1-based): chr12:121,001,406, G>A. VCF-style: chr12-121001406-G-A. GRCh37 (hg19) VCF-style: chr12-121439209-G-A.
Other names: c.*2747C>T (NM_001286191.2, NM_001286196.2, NM_022895.3); c.*214G>A (NM_001306179.2, NM_001406915.1).
Identifiers: ClinVar variation 307465 (VCV000307465.6), dbSNP rs191295371, ClinGen allele CA10632138.
Genomic context (GRCh38, chr12:121,001,406, plus strand): 5'-AGGGAGGGCTCTGAGGCGCCCCAACCCGTGGAGGCTGCTCGGGGTGCACAGGAGGGGGTC[G>A]TGGAGAGCTAGGAGCAAAGCCTGTTCATGGCAGATGTAGGAGGGACTGTCGCTGCTTCGT-3'

ClinVar aggregate classification (germline): Benign. Review status: criteria provided, multiple submitters, no conflicts (2 of 4 stars). 2 submissions from 2 submitters: Benign (2). Last evaluated 2018-01-13.

Conditions:
Maturity-onset diabetes of the young (MODY). Also called: Maturity onset diabetes mellitus in young. Identifiers: Orphanet 552, MedGen C0342276, MONDO:0018911, HP:0004904.
Maturity-onset diabetes of the young type 3. Also called: MODY, type III; MODY type 3. Identifiers: Orphanet 552, MedGen C1838100, MeSH C563933, MONDO:0010894, OMIM 600496. Disease mechanism: loss of function.

Allele frequency attached by ClinVar (database versions not stated): 1000 Genomes Project 30x 0.00172; 1000 Genomes Project 0.00200; TOPMed 0.00320; gnomAD 0.00324 and 0.00327; gnomAD exomes 0.00414.
gnomAD v4.1: 2,340 of 598,662 alleles (0.39%); highest among the groups gnomAD compares: Non-Finnish European, 0.51%; 5 homozygotes.

Submissions (2):

Illumina Laboratory Services, Illumina
Classification: Benign for Maturity-onset diabetes of the young type 3. Last evaluated: 2018-01-13. Review status: criteria provided, single submitter. Criteria: ICSL Variant Classification Criteria 13 December 2019. Collection method: clinical testing. Allele origin: germline.
Comment: This variant was observed in the ICSL laboratory as part of a predisposition screen in an ostensibly healthy population. It had not been previously curated by ICSL or reported in the Human Gene Mutation Database (HGMD: prior to June 1st, 2018), and was therefore a candidate for classification through an automated scoring system. Utilizing variant allele frequency, disease prevalence and penetrance estimates, and inheritance mode, an automated score was calculated to assess if this variant is too frequent to cause the disease. Based on the score and internal cut-off values, a variant classified as benign is not then subjected to further curation. The score for this variant resulted in a classification of benign for this disease.

Clinical Genomics, Uppaluri K&H Personalized Medicine Clinic
Classification: Benign for Maturity-onset diabetes of the young. Review status: criteria provided, single submitter. Criteria: K & H Uppaluri Personalized Medicine Clinic Variant Classification & Assertion Criteria_Updated V.1. Collection method: research. Allele origin: unknown. Inheritance: Autosomal dominant inheritance.
Comment: Mutations in HNF1A gene can predispose to MODY3. It is associated with both micro and macrovascular complications of diabetes, especially cardiovascular complications. Associated with glucosuria. May respond well to sulfonylureas. However, more evidence is required to confer the association of this particular variant rs191295371 with MODY3.

Literature cited by the submitters: PubMed 31517624 (cited by Clinical Genomics, Uppaluri K&H Personalized Medicine Clinic); PubMed 32395877 (cited by Clinical Genomics, Uppaluri K&H Personalized Medicine Clinic); PubMed 35328643 (cited by Clinical Genomics, Uppaluri K&H Personalized Medicine Clinic); PubMed 35673428 (cited by Clinical Genomics, Uppaluri K&H Personalized Medicine Clinic).